The following is an entry in ClinVar:

ClinVar aggregate classification (germline): Uncertain significance (1 of 4 stars; one submission).

Conditions:
Pierson syndrome. Also called: MICROCORIA-CONGENITAL NEPHROTIC SYNDROME. Identifiers: Orphanet 2670, MedGen C1836876, MONDO:0012184, OMIM 609049.
LAMB2-related infantile-onset nephrotic syndrome. Also called: Nephrotic Syndrome, type 5; NEPHROTIC SYNDROME, TYPE 5, WITHOUT OCULAR ABNORMALITIES; NEPHROTIC SYNDROME, TYPE 5, WITH OCULAR ABNORMALITIES. Identifiers: Orphanet 306507, MedGen C3280113, MONDO:0013621, OMIM 614199.

Submission:

Labcorp Genetics (formerly Invitae), Labcorp
Classification: Uncertain significance for LAMB2-related infantile-onset nephrotic syndrome; Pierson syndrome. Last evaluated: 2021-06-28. Review status: criteria provided, single submitter. Criteria: Invitae Variant Classification Sherloc (09022015). Collection method: clinical testing. Allele origin: germline.
Comment: Algorithms developed to predict the effect of missense changes on protein structure and function output the following: SIFT: "Tolerated"; PolyPhen-2: "Benign"; Align-GVGD: "Class C0". The arginine amino acid residue is found in multiple mammalian species, which suggests that this missense change does not adversely affect protein function. This sequence change replaces histidine with arginine at codon 1057 of the LAMB2 protein (p.His1057Arg). The histidine residue is moderately conserved and there is a small physicochemical difference between histidine and arginine. This variant is not present in population databases (ExAC no frequency). This variant has not been reported in the literature in individuals affected with LAMB2-related conditions. In summary, the available evidence is currently insufficient to determine the role of this variant in disease. Therefore, it has been classified as a Variant of Uncertain Significance.

NM_002292.4(LAMB2):c.3170A>G (p.His1057Arg)

Gene: LAMB2 (laminin subunit beta 2; minus strand). Cytogenetic location: 3p21.31.
Variant type: single nucleotide variant.
Coding change: c.3170A>G on transcript NM_002292.4 (MANE Select); coding-DNA position 3170, A replaced by G.
Protein change: p.His1057Arg; replaces histidine 1057 with arginine.
Molecular consequence: missense variant.
Genome position (GRCh38, 1-based): chr3:49,124,552, T>C on the plus strand (A>G on the coding strand, the complement: LAMB2 is on the minus strand). VCF-style: chr3-49124552-T-C. GRCh37 (hg19) VCF-style: chr3-49161985-T-C.
Other names: short protein forms H1057R.
Identifiers: ClinVar variation 1364310 (VCV001364310.8), dbSNP rs2107638700, ClinGen allele CA352711783.
Genomic context (GRCh38, chr3:49,124,552, plus strand): 5'-TCACAGCTAGGGCCCTGGACATTGGGGAGGCATGGGCACTGCCCACTGCTTGGATCACAG[T>C]GGCACTGGTCAGGAGATGGGCACTGCTGCGGATTTGTGCCCAGCAGGTTGCATGTGCAGC-3'
Protein context (NP_002283.3, residues 1047-1067): PQQCPSPDQC[His1057Arg]CDPSSGQCPC